The following is an entry in ClinVar:

ClinVar aggregate classification (germline): Pathogenic (1 of 4 stars; one submission).

Conditions:
EGFR-related lung cancer (EGFR). Identifiers: MedGen CN130014.

Submission:

Labcorp Genetics (formerly Invitae), Labcorp
Classification: Pathogenic for EGFR-related lung cancer. Last evaluated: 2021-09-27. Review status: criteria provided, single submitter. Criteria: Invitae Variant Classification Sherloc (09022015). Collection method: clinical testing. Allele origin: germline.
Comment: For these reasons, this variant has been classified as Pathogenic. This variant has not been reported in the literature in individuals affected with EGFR-related conditions. This variant is not present in population databases (ExAC no frequency). This sequence change creates a premature translational stop signal (p.Lys293*) in the EGFR gene. It is expected to result in an absent or disrupted protein product. Loss-of-function variants in EGFR are known to be pathogenic (PMID: 7630400, 28726809, 29899996).

Literature cited by the submitters: PubMed 7630400; PubMed 28726809; PubMed 29899996.

NM_005228.5(EGFR):c.877A>T (p.Lys293Ter)

Gene: EGFR (epidermal growth factor receptor; plus strand). Cytogenetic location: 7p11.2.
Variant type: single nucleotide variant.
Coding change: c.877A>T on transcript NM_005228.5 (MANE Select); coding-DNA position 877, A replaced by T.
Protein change: p.Lys293Ter; replaces lysine 293 with a stop codon.
Molecular consequence: nonsense. On other transcripts: intron variant (1).
Genome position (GRCh38, 1-based): chr7:55,154,140, A>T. VCF-style: chr7-55154140-A-T. GRCh37 (hg19) VCF-style: chr7-55221833-A-T.
Other names: c.742A>T, p.Lys248Ter (NM_001346897.2, NM_001346899.2); c.877A>T, p.Lys293Ter (NM_001346898.2, NM_201282.2, NM_201283.2 and 1 more transcripts); c.718A>T, p.Lys240Ter (NM_001346900.2); c.89-1690A>T (NM_001346941.2); short protein forms K248*, K240*, K293*.
Identifiers: ClinVar variation 1429922 (VCV001429922.6), dbSNP rs2128935161, ClinGen allele CA367577869.